The following is an entry in ClinVar:

ClinVar aggregate classification (germline): Uncertain significance (1 of 4 stars; one submission).

Submission:

GeneDx
Classification: Uncertain significance. Last evaluated: 2024-03-01. Review status: criteria provided, single submitter. Criteria: GeneDx Variant Classification Process June 2021. Collection method: clinical testing. Allele origin: germline. Affected: yes.
Comment: Not observed at significant frequency in large population cohorts (gnomAD); In silico analysis supports that this missense variant has a deleterious effect on protein structure/function; Has not been previously published as pathogenic or benign to our knowledge

NM_001184880.2(PCDH19):c.1616G>T (p.Gly539Val)

Gene: PCDH19 (protocadherin 19; minus strand). Cytogenetic location: Xq22.1.
Variant type: single nucleotide variant.
Coding change: c.1616G>T on transcript NM_001184880.2 (MANE Select); coding-DNA position 1616, G replaced by T.
Protein change: p.Gly539Val; replaces glycine 539 with valine.
Molecular consequence: missense variant.
Genome position (GRCh38, 1-based): chrX:100,406,982, C>A on the plus strand (G>T on the coding strand, the complement: PCDH19 is on the minus strand). VCF-style: chrX-100406982-C-A. GRCh37 (hg19) VCF-style: chrX-99661980-C-A.
Other names: c.1616G>T, p.Gly539Val (NM_001105243.2, NM_020766.3); short protein forms G539V.
Identifiers: ClinVar variation 3373333 (VCV003373333.1).
Genomic context (GRCh38, chrX:100,406,982, plus strand): 5'-TTGTCGTTGACGTCGAGGATGATGACCCGCACCGTAGCGTTGCTTTGCAGTGAGGGAAGG[C>A]CGCCGTCCTTGGCCAGCACCTTGAATTCGAACGCCTTGGTCTGCTCGTGGTTAAAGGATC-3'
Protein context (NP_001171809.1, residues 529-549): FEFKVLAKDG[Gly539Val]LPSLQSNATV